The following is an entry in ClinVar:

ClinVar aggregate classification (germline): Uncertain significance (1 of 4 stars; one submission).

Conditions:
Cobalamin C disease. Also called: Methylmalonic aciduria and homocystinuria, Vitamin B12-responsive; Vitamin B12 metabolic defect with combined deficiency of methylmalonyl-CoA mutase and homocysteine:methyltetrahydrofolate methyltransferase; methylmalonic aciduria and homocystinuria type cblC; Methylmalonic aciduria with homocystinuria cblC type; Cobalamin-C methylmalonic acidemia and homocystinuria; Methylmalonic acidemia and homocystinuria cblC type. Identifiers: Orphanet 26, Orphanet 79282, MedGen C1848561, MONDO:0010184, OMIM 277400.

Allele frequency attached by ClinVar (database versions not stated): gnomAD 0.00001; gnomAD exomes 0.00001; TOPMed 0.00003.
gnomAD v4.1: 16 of 1,614,024 alleles (0.00099%); highest among the groups gnomAD compares: East Asian, 0.0067%; no homozygotes.

Submission:

Labcorp Genetics (formerly Invitae), Labcorp
Classification: Uncertain significance for Cobalamin C disease. Last evaluated: 2022-08-20. Review status: criteria provided, single submitter. Criteria: Invitae Variant Classification Sherloc (09022015). Collection method: clinical testing. Allele origin: germline.
Comment: This sequence change falls in intron 2 of the MMACHC gene. It does not directly change the encoded amino acid sequence of the MMACHC protein. It affects a nucleotide within the consensus splice site. This variant is present in population databases (no rsID available, gnomAD 0.006%). This variant has not been reported in the literature in individuals affected with MMACHC-related conditions. Variants that disrupt the consensus splice site are a relatively common cause of aberrant splicing (PMID: 17576681, 9536098). Algorithms developed to predict the effect of sequence changes on RNA splicing suggest that this variant may create or strengthen a splice site. In summary, the available evidence is currently insufficient to determine the role of this variant in disease. Therefore, it has been classified as a Variant of Uncertain Significance.

Literature cited by the submitters: PubMed 17576681; PubMed 9536098.

NM_015506.3(MMACHC):c.276+5G>A

Gene: MMACHC (metabolism of cobalamin associated C; plus strand). Cytogenetic location: 1p34.1.
Variant type: single nucleotide variant.
Coding change: c.276+5G>A on transcript NM_015506.3 (MANE Select); 5 bases into the intron after coding-DNA position 276, G replaced by A.
Molecular consequence: intron variant.
Genome position (GRCh38, 1-based): chr1:45,507,555, G>A. VCF-style: chr1-45507555-G-A. GRCh37 (hg19) VCF-style: chr1-45973227-G-A.
Other names: c.105+5G>A (NM_001330540.2).
Identifiers: ClinVar variation 2177513 (VCV002177513.1), dbSNP rs1015698645, ClinGen allele CA21828943.